The following is an entry in ClinVar:

NM_000038.6(APC):c.674A>G (p.Glu225Gly)

Gene: APC (APC regulator of Wnt signaling pathway; plus strand). Cytogenetic location: 5q22.2.
Variant type: single nucleotide variant.
Coding change: c.674A>G on transcript NM_000038.6 (MANE Select); coding-DNA position 674, A replaced by G.
Protein change: p.Glu225Gly; replaces glutamic acid 225 with glycine.
Molecular consequence: missense variant. On other transcripts: 5 prime UTR variant (1), intron variant (2).
Genome position (GRCh38, 1-based): chr5:112,792,474, A>G. VCF-style: chr5-112792474-A-G. GRCh37 (hg19) VCF-style: chr5-112128171-A-G.
Other names: c.674A>G, p.Glu225Gly (NM_001127510.3, NM_001354895.2, NM_001354896.2 and 1 more transcripts); c.704A>G, p.Glu235Gly (NM_001354897.2, NM_001354902.2); c.599A>G, p.Glu200Gly (NM_001354898.2, NM_001354904.2); c.497A>G, p.Glu166Gly (NM_001354900.2, NM_001354901.2, NM_001354905.2); c.-362A>G (NM_001354906.2); c.676-8805A>G (NM_001127511.3); c.646-8805A>G (NM_001354899.2); short protein forms E235G, E166G, E225G, E200G.
Identifiers: ClinVar variation 826599 (VCV000826599.10), dbSNP rs1255190244, ClinGen allele CA16022809.
Genomic context (GRCh38, chr5:112,792,474, plus strand): 5'-CATAACTAATTAGGTTTCTTGTTTTATTTTAGCGAAGAATAGCCAGAATTCAGCAAATCG[A>G]AAAGGACATACTTCGTATACGACAGCTTTTACAGTCCCAAGCAACAGAAGCAGAGGTTAG-3'
Protein context (NP_000029.2, residues 215-235): QRRIARIQQI[Glu225Gly]KDILRIRQLL

ClinVar aggregate classification (germline): Uncertain significance. Review status: criteria provided, multiple submitters, no conflicts (2 of 4 stars). 3 submissions from 3 submitters: Uncertain significance (3). Last evaluated 2025-09-11.

Conditions:
Hereditary cancer-predisposing syndrome. Also called: Neoplastic Syndromes, Hereditary; Tumor predisposition; Hereditary neoplastic syndrome; Hereditary Cancer Syndrome. Identifiers: Orphanet 140162, MedGen C0027672, MeSH D009386, MONDO:0015356.
Familial adenomatous polyposis 1 (FAP1). Also called: POLYPOSIS, ADENOMATOUS INTESTINAL; FAMILIAL ADENOMATOUS POLYPOSIS 1, ATTENUATED. Identifiers: MedGen C2713442, MONDO:0021056, OMIM 175100. Disease mechanism: loss of function.

Submissions (3):

Color Diagnostics, LLC DBA Color Health
Classification: Uncertain significance for Hereditary cancer-predisposing syndrome. Last evaluated: 2025-09-11. Review status: criteria provided, single submitter. Criteria: ACMG Guidelines, 2015. Collection method: clinical testing. Allele origin: germline.
Comment: This missense variant replaces glutamic acid with glycine at codon 225 of the APC protein. Computational prediction is inconclusive regarding the impact of this variant on protein structure and function. APC is defined as a gene for which primarily truncating variants are known to cause disease (ClinGen HCCP VCEP). To our knowledge, functional studies have not been reported for this variant. This variant has not been reported in individuals affected with APC-related disorders in the literature. This variant has not been identified in the general population by the Genome Aggregation Database (gnomAD). The available evidence is insufficient to determine the role of this variant in disease conclusively. Therefore, this variant is classified as a Variant of Uncertain Significance.

Ambry Genetics
Classification: Uncertain significance for Hereditary cancer-predisposing syndrome. Last evaluated: 2025-03-28. Review status: criteria provided, single submitter. Criteria: Ambry Variant Classification Scheme 2023. Collection method: clinical testing. Allele origin: germline.
Comment: The p.E225G variant (also known as c.674A>G), located in coding exon 6 of the APC gene, results from an A to G substitution at nucleotide position 674. The glutamic acid at codon 225 is replaced by glycine, an amino acid with similar properties. This amino acid position is highly conserved in available vertebrate species. In addition, in silico predictors for this gene do not accurately predict pathogenicity. Missense alterations in APC are not a common cause of disease (Spier I et al. Genet Med. 2024 Feb;26(2):100992). Based on the available evidence, the clinical significance of this variant remains unclear.

Labcorp Genetics (formerly Invitae), Labcorp
Classification: Uncertain significance for Familial adenomatous polyposis 1. Last evaluated: 2025-01-17. Review status: criteria provided, single submitter. Criteria: Invitae Variant Classification Sherloc (09022015). Collection method: clinical testing. Allele origin: germline.
Comment: This sequence change replaces glutamic acid, which is acidic and polar, with glycine, which is neutral and non-polar, at codon 225 of the APC protein (p.Glu225Gly). This variant is not present in population databases (gnomAD no frequency). This variant has not been reported in the literature in individuals affected with APC-related conditions. ClinVar contains an entry for this variant (Variation ID: 826599). Invitae Evidence Modeling of protein sequence and biophysical properties (such as structural, functional, and spatial information, amino acid conservation, physicochemical variation, residue mobility, and thermodynamic stability) has been performed for this missense variant. However, the output from this modeling did not meet the statistical confidence thresholds required to predict the impact of this variant on APC protein function. In summary, the available evidence is currently insufficient to determine the role of this variant in disease. Therefore, it has been classified as a Variant of Uncertain Significance.